The following is an entry in ClinVar:

ClinVar aggregate classification (germline): Uncertain significance (1 of 4 stars; one submission).

Conditions:
X-linked myopathy with postural muscle atrophy. Also called: FHL1-Related Emery-Dreifuss Muscular Dystrophy, X-Linked. Identifiers: Orphanet 178461, MedGen C2678055, MONDO:0010401, OMIM 300696.

Allele frequency attached by ClinVar (database versions not stated): TOPMed below 0.00001.

Submission:

Labcorp Genetics (formerly Invitae), Labcorp
Classification: Uncertain significance for X-linked myopathy with postural muscle atrophy. Last evaluated: 2024-08-04. Review status: criteria provided, single submitter. Criteria: Invitae Variant Classification Sherloc (09022015). Collection method: clinical testing. Allele origin: germline.
Comment: This sequence change replaces asparagine, which is neutral and polar, with lysine, which is basic and polar, at codon 215 of the FHL1 protein (p.Asn215Lys). This variant is not present in population databases (gnomAD no frequency). This variant has not been reported in the literature in individuals affected with FHL1-related conditions. ClinVar contains an entry for this variant (Variation ID: 1062830). An algorithm developed to predict the effect of missense changes on protein structure and function (PolyPhen-2) suggests that this variant is likely to be tolerated. In summary, the available evidence is currently insufficient to determine the role of this variant in disease. Therefore, it has been classified as a Variant of Uncertain Significance.

NM_001159699.2(FHL1):c.693C>G (p.Asn231Lys)

Gene: FHL1 (four and a half LIM domains 1; plus strand). Cytogenetic location: Xq26.3.
Variant type: single nucleotide variant.
Coding change: c.693C>G on transcript NM_001159699.2 (MANE Select); coding-DNA position 693, C replaced by G.
Protein change: p.Asn231Lys; replaces asparagine 231 with lysine.
Molecular consequence: missense variant. On other transcripts: intron variant (2), non-coding transcript variant (1).
Genome position (GRCh38, 1-based): chrX:136,208,598, C>G. VCF-style: chrX-136208598-C-G. GRCh37 (hg19) VCF-style: chrX-135290757-C-G.
Other names: c.549+637C>G (NM_001330659.2); c.645C>G, p.Asn215Lys (NM_001159700.2, NM_001159702.3, NM_001159704.1 and 8 more transcripts); c.732C>G, p.Asn244Lys (NM_001159701.2); c.501+637C>G (NM_001159703.2); short protein forms N215K, N231K, N244K.
Identifiers: ClinVar variation 1062830 (VCV001062830.9), dbSNP rs2073914454, ClinGen allele CA414609023.